The following is an entry in ClinVar:

ClinVar aggregate classification (germline): Uncertain significance (1 of 4 stars; one submission).

Allele frequency attached by ClinVar (database versions not stated): gnomAD 0.00001; gnomAD exomes 0.00005; TOPMed 0.00006; ExAC 0.00012.
gnomAD v4.1: 35 of 1,613,122 alleles (0.0022%); highest among the groups gnomAD compares: Admixed American, 0.055%; no homozygotes.

Submission:

Labcorp Genetics (formerly Invitae), Labcorp
Classification: Uncertain significance. Last evaluated: 2025-11-22. Review status: criteria provided, single submitter. Criteria: Invitae Variant Classification Sherloc (09022015). Collection method: clinical testing. Allele origin: germline.
Comment: This sequence change falls in intron 11 of the YME1L1 gene. It does not directly change the encoded amino acid sequence of the YME1L1 protein. It affects a nucleotide within the consensus splice site. This variant is present in population databases (rs765633364, gnomAD 0.09%), and has an allele count higher than expected for a pathogenic variant. This variant has not been reported in the literature in individuals affected with YME1L1-related conditions. ClinVar contains an entry for this variant (Variation ID: 2919706). Variants that disrupt the consensus splice site are a relatively common cause of aberrant splicing (PMID: 17576681, 9536098). Algorithms developed to predict the effect of sequence changes on RNA splicing suggest that this variant may disrupt the consensus splice site. In summary, the available evidence is currently insufficient to determine the role of this variant in disease. Therefore, it has been classified as a Variant of Uncertain Significance.

Literature cited by the submitters: PubMed 17576681; PubMed 9536098.

NM_014263.4(YME1L1):c.1102+3A>G

Gene: YME1L1 (YME1 like 1 ATPase; minus strand). Cytogenetic location: 10p12.1.
Variant type: single nucleotide variant.
Coding change: c.1102+3A>G on transcript NM_014263.4 (MANE Select); 3 bases into the intron after coding-DNA position 1102, A replaced by G.
Molecular consequence: intron variant.
Genome position (GRCh38, 1-based): chr10:27,123,544, T>C on the plus strand (A>G on the coding strand, the complement: YME1L1 is on the minus strand). VCF-style: chr10-27123544-T-C. GRCh37 (hg19) VCF-style: chr10-27412473-T-C.
Other names: c.1003+3A>G (NM_001253866.2); c.1273+3A>G (NM_139312.3).
Identifiers: ClinVar variation 2919706 (VCV002919706.3), dbSNP rs765633364, ClinGen allele CA5449409.